The following is an entry in ClinVar:

ClinVar aggregate classification (germline): Uncertain significance (1 of 4 stars; one submission).

Conditions:
Baller-Gerold syndrome (BGS). Also called: CRANIOSYNOSTOSIS WITH RADIAL DEFECTS. Identifiers: Orphanet 1225, MedGen C0265308, MONDO:0009039, OMIM 218600.

gnomAD v4.1: 2 of 1,611,896 alleles (0.00012%); highest among the groups gnomAD compares: Non-Finnish European, 0.00017%; no homozygotes.

Submission:

Labcorp Genetics (formerly Invitae), Labcorp
Classification: Uncertain significance for Baller-Gerold syndrome. Last evaluated: 2022-06-28. Review status: criteria provided, single submitter. Criteria: Invitae Variant Classification Sherloc (09022015). Collection method: clinical testing. Allele origin: germline.
Comment: This variant has not been reported in the literature in individuals affected with RECQL4-related conditions. This variant is not present in population databases (gnomAD no frequency). This sequence change replaces lysine, which is basic and polar, with glutamic acid, which is acidic and polar, at codon 549 of the RECQL4 protein (p.Lys549Glu). Experimental studies and prediction algorithms are not available or were not evaluated, and the functional significance of this variant is currently unknown. In summary, the available evidence is currently insufficient to determine the role of this variant in disease. Therefore, it has been classified as a Variant of Uncertain Significance.

NM_004260.4(RECQL4):c.1645A>G (p.Lys549Glu)

Gene: RECQL4 (RecQ like helicase 4; minus strand). Cytogenetic location: 8q24.3.
Variant type: single nucleotide variant.
Coding change: c.1645A>G on transcript NM_004260.4 (MANE Select); coding-DNA position 1645, A replaced by G.
Protein change: p.Lys549Glu; replaces lysine 549 with glutamic acid.
Molecular consequence: missense variant.
Genome position (GRCh38, 1-based): chr8:144,514,501, T>C on the plus strand (A>G on the coding strand, the complement: RECQL4 is on the minus strand). VCF-style: chr8-144514501-T-C. GRCh37 (hg19) VCF-style: chr8-145739885-T-C.
Other names: short protein forms K549E.
Identifiers: ClinVar variation 1522914 (VCV001522914.6), dbSNP rs542466006, ClinGen allele CA372683026.
Genomic context (GRCh38, chr8:144,514,501, plus strand): 5'-CCTTCTGCAGGACAGATTCCCGTTGCTTCCTGGTCATGCCCGAGTGTATGCAGGCCGCCT[T>C]GAGACACGGTGGCAGGCCAGACACCTGCAAATGCAGGAGCGACAGCCGTCATACGCCAGC-3'
Protein context (NP_004251.4, residues 539-559): DQVSGLPPCL[Lys549Glu]AACIHSGMTR